The following is an entry in ClinVar:

ClinVar aggregate classification (germline): Pathogenic. Review status: criteria provided, multiple submitters, no conflicts (2 of 4 stars). 2 submissions from 2 submitters: Pathogenic (2). Last evaluated 2021-08-06.

Conditions:
Hereditary nonpolyposis colorectal neoplasms. Identifiers: MedGen C0009405, MeSH D003123.
Hereditary cancer-predisposing syndrome. Also called: Hereditary neoplastic syndrome; Hereditary Cancer Syndrome; Neoplastic Syndromes, Hereditary; Tumor predisposition. Identifiers: Orphanet 140162, MedGen C0027672, MeSH D009386, MONDO:0015356.

Submissions (2):

Labcorp Genetics (formerly Invitae), Labcorp
Classification: Pathogenic for Hereditary nonpolyposis colorectal neoplasms. Last evaluated: 2021-08-06. Review status: criteria provided, single submitter. Criteria: Invitae Variant Classification Sherloc (09022015). Collection method: clinical testing. Allele origin: germline.
Comment: This sequence change creates a premature translational stop signal (p.Glu640*) in the MSH6 gene. It is expected to result in an absent or disrupted protein product. Loss-of-function variants in MSH6 are known to be pathogenic (PMID: 18269114, 24362816). This variant is not present in population databases (ExAC no frequency). This variant has not been reported in the literature in individuals affected with MSH6-related conditions. Algorithms developed to predict the effect of sequence changes on RNA splicing suggest that this variant may create or strengthen a splice site. For these reasons, this variant has been classified as Pathogenic.

Ambry Genetics
Classification: Pathogenic for Hereditary cancer-predisposing syndrome. Last evaluated: 2020-09-15. Review status: criteria provided, single submitter. Criteria: Ambry Variant Classification Scheme 2023. Collection method: clinical testing. Allele origin: germline.
Comment: The p.E640* variant (also known as c.1918G>T), located in coding exon 4 of the MSH6 gene, results from a G to T substitution at nucleotide position 1918. This changes the amino acid from a glutamic acid to a stop codon within coding exon 4. This alteration is expected to result in loss of function by premature protein truncation or nonsense-mediated mRNA decay. As such, this alteration is interpreted as a disease-causing mutation.

Literature cited by the submitters: PubMed 18269114 (cited by Labcorp Genetics (formerly Invitae), Labcorp); PubMed 24362816 (cited by Labcorp Genetics (formerly Invitae), Labcorp).

NM_000179.3(MSH6):c.1918G>T (p.Glu640Ter)

Gene: MSH6 (mutS homolog 6; plus strand). Cytogenetic location: 2p16.3.
Variant type: single nucleotide variant.
Coding change: c.1918G>T on transcript NM_000179.3 (MANE Select); coding-DNA position 1918, G replaced by T.
Protein change: p.Glu640Ter; replaces glutamic acid 640 with a stop codon.
Molecular consequence: nonsense.
Genome position (GRCh38, 1-based): chr2:47,799,901, G>T. VCF-style: chr2-47799901-G-T. GRCh37 (hg19) VCF-style: chr2-48027040-G-T.
Other names: c.1528G>T, p.Glu510Ter (NM_001281492.2); c.1012G>T, p.Glu338Ter (NM_001281493.2, NM_001281494.2); short protein forms E640*, E510*, E338*.
Identifiers: ClinVar variation 1404299 (VCV001404299.8), dbSNP rs1669393906, ClinGen allele CA346750265.